The following is an entry in ClinVar:

ClinVar aggregate classification (germline): Likely benign. Review status: criteria provided, multiple submitters, no conflicts (2 of 4 stars). 2 submissions from 2 submitters: Likely benign (2). Last evaluated 2023-11-22.

Allele frequency attached by ClinVar (database versions not stated): ExAC 0.00002; gnomAD exomes 0.00003.
gnomAD v4.1: 36 of 1,206,007 alleles (0.003%); highest among the groups gnomAD compares: East Asian, 0.006%; no homozygotes.

Submissions (2):

Blueprint Genetics
Classification: Likely benign. Last evaluated: 2023-11-22. Review status: criteria provided, single submitter. Criteria: ACMG Guidelines, 2015. Collection method: clinical testing. Allele origin: germline.

CeGaT Center for Human Genetics Tuebingen
Classification: Likely benign. Last evaluated: 2022-10-01. Review status: criteria provided, single submitter. Criteria: CeGaT Center For Human Genetics Tuebingen Variant Classification Criteria Version 2. Collection method: clinical testing. Allele origin: germline. Affected: yes. Observed: 1 variant allele.
Comment: SLC35A2: BP4, BP7

NM_005660.3(SLC35A2):c.1163+105G>A

Gene: SLC35A2 (solute carrier family 35 member A2; minus strand). Cytogenetic location: Xp11.23.
Variant type: single nucleotide variant.
Coding change: c.1163+105G>A on transcript NM_005660.3 (MANE Select); 105 bases into the intron after coding-DNA position 1163, G replaced by A.
Molecular consequence: intron variant. On other transcripts: synonymous variant (2), 3 prime UTR variant (4).
Genome position (GRCh38, 1-based): chrX:48,904,641, C>T on the plus strand (G>A on the coding strand, the complement: SLC35A2 is on the minus strand). VCF-style: chrX-48904641-C-T. GRCh37 (hg19) VCF-style: chrX-48761918-C-T.
Other names: c.678G>A, p.Pro226= (NM_001032289.3); c.*86G>A (NM_001042498.3, NM_001282649.2, NM_001282650.2 and 1 more transcripts); c.606G>A, p.Pro202= (NM_001282648.2); c.573+105G>A (NM_001282647.2).
Identifiers: ClinVar variation 2660485 (VCV002660485.25), dbSNP rs782763371, ClinGen allele CA10406027.